The following is an entry in ClinVar:

ClinVar aggregate classification (germline): Uncertain significance. Review status: criteria provided, multiple submitters, no conflicts (2 of 4 stars). 2 submissions from 2 submitters: Uncertain significance (2). Last evaluated 2026-02-11.

Conditions:
Hereditary cancer-predisposing syndrome. Also called: Neoplastic Syndromes, Hereditary; Hereditary neoplastic syndrome; Tumor predisposition; Hereditary Cancer Syndrome. Identifiers: Orphanet 140162, MedGen C0027672, MeSH D009386, MONDO:0015356.

Submissions (3):

Ambry Genetics
Classification: Uncertain significance for Hereditary cancer-predisposing syndrome. Last evaluated: 2026-02-11. Review status: criteria provided, single submitter. Criteria: Ambry Variant Classification Scheme 2023. Collection method: clinical testing. Allele origin: germline.
Comment: The c.5467+4A>G intronic variant results from an A to G substitution 4 nucleotides after coding exon 21 in the BRCA1 gene. One functional study found that this nucleotide substitution is functional in a high throughput genome editing haploid cell survival assay (Findlay GM et al. Nature, 2018 Oct;562:217-222). This nucleotide position is highly conserved in available vertebrate species. In silico splice site analysis predicts that this alteration will weaken the native splice donor site. Based on the available evidence, the clinical significance of this variant remains unclear.

Women's Health and Genetics/Laboratory Corporation of America, LabCorp
Classification: Uncertain significance. Last evaluated: 2026-01-04. Review status: criteria provided, single submitter. Criteria: LabCorp Variant Classification Summary - May 2015. Collection method: clinical testing. Allele origin: germline.
Comment: Variant summary: BRCA1 c.5467+4A>G alters a nucleotide located close to a canonical splice site and therefore could affect mRNA splicing, leading to a significantly altered protein sequence. Several computational tools predict a significant impact on normal splicing: Four predict the variant weakens a canonical 5' donor site. The variant was absent in 251484 control chromosomes. The available data on variant occurrences in the general population are insufficient to allow any conclusion about variant significance. To our knowledge, no occurrence of c.5467+4A>G in individuals affected with BRCA1-related conditions has been reported. At least one functional study reports experimental evidence evaluating an impact on protein function and showed no damaging effect of this variant on homology directed repair (HDR) activity (e.g. Findlay_2018). HDR assays qualify as a recognized gold standard on the basis of updated guidance provided by the ClinGen Sequence Variant Interpretation (SVI) working group. The following publication has been ascertained in the context of this evaluation (PMID: 30209399). ClinVar contains an entry for this variant (Variation ID: 441369). Based on the evidence outlined above, the variant was classified as VUS-possibly benign.

Brotman Baty Institute, University of Washington
No classification provided (evidence only). Condition: Breast-ovarian cancer, familial 1. Review status: no classification provided. Collection method: in vitro. Allele origin: not applicable. Functional consequence: functionally_normal. Not counted in ClinVar's aggregate classification.
ClinVar note: "not provided" was previously submitted as the classification for the variant. However, the classification appeared to be based only on an observation of functional data so it was converted to no classification on 2025-07-30.

Literature cited by the submitters: PubMed 30209399 (cited by Ambry Genetics and Women's Health and Genetics/Laboratory Corporation of America, LabCorp).

NM_007294.4(BRCA1):c.5467+4A>G

Gene: BRCA1 (BRCA1 DNA repair associated; minus strand). Cytogenetic location: 17q21.31.
Variant type: single nucleotide variant.
Coding change: c.5467+4A>G on transcript NM_007294.4 (MANE Select); 4 bases into the intron after coding-DNA position 5467, A replaced by G.
Molecular consequence: intron variant.
Genome position (GRCh38, 1-based): chr17:43,047,639, T>C on the plus strand (A>G on the coding strand, the complement: BRCA1 is on the minus strand). VCF-style: chr17-43047639-T-C. GRCh37 (hg19) VCF-style: chr17-41199656-T-C.
Other names: c.5386+4A>G (NM_001407656.1, NM_001407657.1, NM_001407658.1); c.5389+4A>G (NM_001407654.1, NM_001407652.1, NM_001407653.1 and 1 more transcripts); c.1816+4A>G (NM_001408509.1); c.1819+4A>G (NM_001408508.1); c.1945+4A>G (NM_001408491.1, NM_001408481.1, NM_001408490.1 and 5 more transcripts); c.5251+4A>G (NM_001407918.1, NM_001407915.1, NM_001407916.1 and 1 more transcripts); c.5254+4A>G (NM_001407894.1, NM_001407909.1, NM_001407906.1 and 12 more transcripts); c.5128+4A>G (NM_001407957.1, NM_001407958.1, NM_001407956.1); and 83 more.
Identifiers: ClinVar variation 441369 (VCV000441369.10), dbSNP rs1555574692, ClinGen allele CA658653686.
Genomic context (GRCh38, chr17:43,047,639, plus strand): 5'-TGAGTGATAAACCAAACCCATGCAAAAGGACCCCATATAGCACAGGTACATGCAGGCACC[T>C]TACCATGGAAGCCATTGTCCTCTGTCCAGGCATCTGGCTGCACAACCACAATTGGGTGGA-3'